The following is an entry in ClinVar:

ClinVar aggregate classification (germline): Uncertain significance. Review status: criteria provided, multiple submitters, no conflicts (2 of 4 stars). 3 submissions from 3 submitters: Uncertain significance (3). Last evaluated 2025-09-23.

Conditions:
Hereditary cancer-predisposing syndrome. Also called: Hereditary neoplastic syndrome; Neoplastic Syndromes, Hereditary; Tumor predisposition; Hereditary Cancer Syndrome. Identifiers: Orphanet 140162, MedGen C0027672, MeSH D009386, MONDO:0015356.
Breast-ovarian cancer, familial, susceptibility to, 2 (BROVCA2). Also called: BRCA2 Hereditary Breast and Ovarian Cancer. Identifiers: Orphanet 145, MedGen C2675520, MONDO:0012933, OMIM 612555. Disease mechanism: loss of function.
Hereditary breast ovarian cancer syndrome. Also called: Hereditary breast and ovarian cancer syndrome; Breast and ovarian cancer; BRCA1- and BRCA2-Associated Hereditary Breast and Ovarian Cancer; Hereditary breast and/or ovarian cancer syndrome; Hereditary breast and ovarian cancer; Hereditary breast and ovarian cancer syndrome (HBOC). Identifiers: Orphanet 145, MedGen C0677776, MeSH D061325, MONDO:0003582. Disease mechanism: loss of function.

Submissions (3):

Labcorp Genetics (formerly Invitae), Labcorp
Classification: Uncertain significance for Hereditary breast ovarian cancer syndrome. Last evaluated: 2025-09-23. Review status: criteria provided, single submitter. Criteria: Invitae Variant Classification Sherloc (09022015). Collection method: clinical testing. Allele origin: germline.
Comment: This sequence change replaces serine, which is neutral and polar, with threonine, which is neutral and polar, at codon 3400 of the BRCA2 protein (p.Ser3400Thr). This variant is not present in population databases (gnomAD no frequency). This variant has not been reported in the literature in individuals affected with BRCA2-related conditions. ClinVar contains an entry for this variant (Variation ID: 1002261). Invitae Evidence Modeling of protein sequence and biophysical properties (such as structural, functional, and spatial information, amino acid conservation, physicochemical variation, residue mobility, and thermodynamic stability) indicates that this missense variant is not expected to disrupt BRCA2 protein function with a negative predictive value of 95%. In summary, the available evidence is currently insufficient to determine the role of this variant in disease. Therefore, it has been classified as a Variant of Uncertain Significance.

All of Us Research Program, National Institutes of Health
Classification: Uncertain significance for Breast-ovarian cancer, familial, susceptibility to, 2. Last evaluated: 2023-06-28. Review status: criteria provided, single submitter. Criteria: ACMG Guidelines, 2015. Collection method: clinical testing. Allele origin: germline. Inheritance: Autosomal dominant inheritance. Observed: 2 variant alleles, 2 heterozygotes.
Comment: This missense variant replaces serine with threonine at codon 3400 of the BRCA2 protein. Computational prediction suggests that this variant may not impact protein structure and function (internally defined REVEL score threshold <= 0.5, PMID: 27666373). To our knowledge, functional studies have not been reported for this variant. This variant has not been reported in individuals affected with hereditary cancer in the literature. This variant has not been identified in the general population by the Genome Aggregation Database (gnomAD). The available evidence is insufficient to determine the role of this variant in disease conclusively. Therefore, this variant is classified as a Variant of Uncertain Significance.

This study involves interpretation of variants in research participants for the purpose of population health screening. Participant phenotype was not available at the time of variant classification. Additional details can be found in publication PMID: 35346344, PMCID: PMC8962531

Ambry Genetics
Classification: Uncertain significance for Hereditary cancer-predisposing syndrome. Last evaluated: 2020-12-14. Review status: criteria provided, single submitter. Criteria: Ambry Variant Classification Scheme 2023. Collection method: clinical testing. Allele origin: germline.
Comment: The p.S3400T variant (also known as c.10199G>C), located in coding exon 26 of the BRCA2 gene, results from a G to C substitution at nucleotide position 10199. The serine at codon 3400 is replaced by threonine, an amino acid with similar properties. This amino acid position is poorly conserved in available vertebrate species. In addition, this alteration is predicted to be tolerated by in silico analysis. Since supporting evidence is limited at this time, the clinical significance of this alteration remains unclear.

NM_000059.4(BRCA2):c.10199G>C (p.Ser3400Thr)

Gene: BRCA2 (BRCA2 DNA repair associated; plus strand). Cytogenetic location: 13q13.1.
Variant type: single nucleotide variant.
Coding change: c.10199G>C on transcript NM_000059.4 (MANE Select); coding-DNA position 10199, G replaced by C.
Protein change: p.Ser3400Thr; replaces serine 3400 with threonine.
Molecular consequence: missense variant.
Genome position (GRCh38, 1-based): chr13:32,398,712, G>C. VCF-style: chr13-32398712-G-C. GRCh37 (hg19) VCF-style: chr13-32972849-G-C.
Other names: short protein forms S3400T.
Identifiers: ClinVar variation 1002261 (VCV001002261.12), dbSNP rs763642189, ClinGen allele CA387768397.